The following is an entry in ClinVar:

ClinVar aggregate classification (germline): Likely pathogenic (1 of 4 stars; one submission).

Conditions:
Hereditary hyperekplexia. Identifiers: Orphanet 3197, MedGen C4084968, MONDO:0021022.

Submission:

Labcorp Genetics (formerly Invitae), Labcorp
Classification: Likely pathogenic for Hereditary hyperekplexia. Last evaluated: 2019-05-20. Review status: criteria provided, single submitter. Criteria: Invitae Variant Classification Sherloc (09022015). Collection method: clinical testing. Allele origin: germline.
Comment: This sequence change affects a donor splice site in intron 6 of the GLRA1 gene. It is expected to disrupt RNA splicing and likely results in an absent or disrupted protein product. In summary, the currently available evidence indicates that the variant is pathogenic, but additional data are needed to prove that conclusively. Therefore, this variant has been classified as Likely Pathogenic. Donor and acceptor splice site variants typically lead to a loss of protein function (PMID: 16199547), and loss-of-function variants in GLRA1 are known to be pathogenic (PMID: 20631190, 24108130). This variant has not been reported in the literature in individuals with GLRA1-related conditions. This variant is not present in population databases (ExAC no frequency).

Literature cited by the submitters: PubMed 16199547; PubMed 20631190; PubMed 24108130.

NM_000171.4(GLRA1):c.697+1G>A

Gene: GLRA1 (glycine receptor alpha 1; minus strand). Cytogenetic location: 5q33.1.
Variant type: single nucleotide variant.
Coding change: c.697+1G>A on transcript NM_000171.4 (MANE Select); the canonical splice donor site of the intron after coding-DNA position 697, G replaced by A.
Molecular consequence: splice donor variant.
Genome position (GRCh38, 1-based): chr5:151,855,039, C>T on the plus strand (G>A on the coding strand, the complement: GLRA1 is on the minus strand). VCF-style: chr5-151855039-C-T. GRCh37 (hg19) VCF-style: chr5-151234600-C-T.
Other names: c.448+1G>A (NM_001292000.2); c.697+1G>A (NM_001146040.2).
Identifiers: ClinVar variation 939770 (VCV000939770.8), dbSNP rs1753002738, ClinGen allele CA361839482.